The following is an entry in ClinVar:

NC_000020.10:g.(?_60831241)_(62664346_?)dup

Genes: MRGBP (MRG domain binding protein; plus strand), NKAIN4 (sodium/potassium transporting ATPase interacting 4; minus strand), OSBPL2 (oxysterol binding protein like 2; plus strand), PPDPF (pancreatic progenitor cell differentiation and proliferation factor; plus strand), PRPF6 (pre-mRNA processing factor 6; plus strand) and 46 more. Cytogenetic location: 20q13.33.
Variant type: Duplication.
Identifiers: ClinVar variation 999459 (VCV000999459.6).

ClinVar aggregate classification (germline): Uncertain significance. Review status: criteria provided, single submitter (1 of 4 stars). 2 submissions from 1 submitter: Uncertain significance (2). Last evaluated 2020-06-09.

Conditions:
Developmental and epileptic encephalopathy. Identifiers: MedGen C5779964, MONDO:0100620.
Developmental and epileptic encephalopathy, 33 (DEE33). Also called: Epileptic encephalopathy, early infantile, 33. Identifiers: Orphanet 442835, MedGen C4225337, MONDO:0014625, OMIM 616409.

Submissions (2):

Labcorp Genetics (formerly Invitae), Labcorp
Classification: Uncertain significance for Developmental and epileptic encephalopathy, 33. Last evaluated: 2020-06-09. Review status: criteria provided, single submitter. Criteria: Invitae Variant Classification Sherloc (09022015). Collection method: clinical testing. Allele origin: germline.
Comment: This variant results in a copy number gain of the genomic region encompassing the full coding sequence of the EEF1A2 gene. The boundaries of this event are unknown as they extend beyond the assayed region for this gene and therefore may encompass additional genes. As the precise location of this event is unknown, it may be in tandem or it may be located elsewhere in the genome. Isolated whole-gene copy number gains of EEF1A2 have not been reported in the literature. However, larger copy number events that include this gene have been reported (PMID: 25921748). In summary, the available evidence is currently insufficient to determine the role of this variant in disease. Therefore, it has been classified as a Variant of Uncertain Significance.

Labcorp Genetics (formerly Invitae), Labcorp
Classification: Uncertain significance for Early-infantile DEE. Last evaluated: 2020-06-09. Review status: criteria provided, single submitter. Criteria: Invitae Variant Classification Sherloc (09022015). Collection method: clinical testing. Allele origin: germline.
Comment: This variant results in a copy number gain of the genomic region encompassing the full coding sequence of the KCNQ2 gene. The boundaries of this event are unknown as they extend beyond the assayed region for this gene and therefore may encompass additional genes. As the precise location of this event is unknown, it may be in tandem or it may be located elsewhere in the genome. Isolated whole-gene copy number gains of KCNQ2 have not been reported in the literature. However, larger copy number events that include this gene have been reported (PMID: 25921748, 30866059). Experimental studies and prediction algorithms are not available for this variant, and the functional significance of the affected amino acid(s) is currently unknown. In summary, the available evidence is currently insufficient to determine the role of this variant in disease. Therefore, it has been classified as a Variant of Uncertain Significance.

Literature cited by the submitters: PubMed 25921748; PubMed 30866059.